The following is an entry in ClinVar:

NM_006031.6(PCNT):c.5478C>T (p.Gly1826=)

Gene: PCNT (pericentrin; plus strand). Cytogenetic location: 21q22.3.
Variant type: single nucleotide variant.
Coding change: c.5478C>T on transcript NM_006031.6 (MANE Select); coding-DNA position 5478, C replaced by T.
Protein change: p.Gly1826=; no amino-acid change (glycine 1826 retained).
Molecular consequence: synonymous variant.
Genome position (GRCh38, 1-based): chr21:46,411,551, C>T. VCF-style: chr21-46411551-C-T. GRCh37 (hg19) VCF-style: chr21-47831465-C-T.
Other names: c.5124C>T, p.Gly1708= (NM_001315529.2); c.5478C>T (NM_006031.5).
Identifiers: ClinVar variation 2167884 (VCV002167884.7), dbSNP rs775332502, ClinGen allele CA10079994.

ClinVar aggregate classification (germline): Likely benign. Review status: criteria provided, multiple submitters, no conflicts (2 of 4 stars). 3 submissions from 3 submitters: Likely benign (2). 1 of the submissions does not count toward it. Last evaluated 2024-06-17.

Conditions:
PCNT-related disorder. Also called: PCNT-related condition.

Allele frequency attached by ClinVar (database versions not stated): ExAC 0.00003; gnomAD exomes 0.00003; TOPMed 0.00004; gnomAD 0.00005.
gnomAD v4.1: 57 of 1,612,060 alleles (0.0035%); highest among the groups gnomAD compares: Admixed American, 0.022%; no homozygotes.

Submissions (3):

Labcorp Genetics (formerly Invitae), Labcorp
Classification: Likely benign. Last evaluated: 2024-06-17. Review status: criteria provided, single submitter. Criteria: Invitae Variant Classification Sherloc (09022015). Collection method: clinical testing. Allele origin: germline.

Blueprint Genetics
Classification: Likely benign. Last evaluated: 2023-04-19. Review status: criteria provided, single submitter. Criteria: ACMG Guidelines, 2015. Collection method: clinical testing. Allele origin: germline.

PreventionGenetics, part of Exact Sciences
Classification: Likely benign for PCNT-related condition. Last evaluated: 2021-07-26. Review status: no assertion criteria provided. Collection method: clinical testing. Allele origin: germline. Not counted in ClinVar's aggregate classification.
Comment: This variant is classified as likely benign based on ACMG/AMP sequence variant interpretation guidelines (Richards et al. 2015 PMID: 25741868, with internal and published modifications).